The following is an entry in ClinVar:

ClinVar aggregate classification (germline): Uncertain significance (1 of 4 stars; one submission).

Submission:

Quest Diagnostics Nichols Institute San Juan Capistrano
Classification: Uncertain significance. Last evaluated: 2025-06-10. Review status: criteria provided, single submitter. Criteria: Quest Diagnostics criteria. Collection method: clinical testing. Allele origin: unknown.
Comment: The APC c.482A>C (p.Gln161Pro) variant has not been reported in individuals with APC-related conditions in the published literature. It also has not been reported in large, multi-ethnic general populations (Genome Aggregation Database). Analysis of this variant using bioinformatics tools for the prediction of the effect of amino acid changes on protein structure and function yielded predictions that this variant is damaging. Based on the available information, we are unable to determine the clinical significance of this variant.

Literature cited by the submitters: PubMed 36243179.

NM_000038.6(APC):c.482A>C (p.Gln161Pro)

Gene: APC (APC regulator of Wnt signaling pathway; plus strand). Cytogenetic location: 5q22.2.
Variant type: single nucleotide variant.
Coding change: c.482A>C on transcript NM_000038.6 (MANE Select); coding-DNA position 482, A replaced by C.
Protein change: p.Gln161Pro; replaces glutamine 161 with proline.
Molecular consequence: missense variant. On other transcripts: 5 prime UTR variant (4), non-coding transcript variant (2).
Genome position (GRCh38, 1-based): chr5:112,775,688, A>C. VCF-style: chr5-112775688-A-C. GRCh37 (hg19) VCF-style: chr5-112111385-A-C.
Other names: c.482A>C, p.Gln161Pro (NM_001127510.3, NM_001354895.2, NM_001354896.2 and 16 more transcripts); c.512A>C, p.Gln171Pro (NM_001127511.3, NM_001354897.2, NM_001354902.2 and 1 more transcripts); c.407A>C, p.Gln136Pro (NM_001354898.2, NM_001354904.2, NM_001407451.1); c.305A>C, p.Gln102Pro (NM_001354900.2, NM_001354901.2, NM_001354905.2 and 1 more transcripts); c.-554A>C (NM_001354906.2, NM_001407470.1, NM_001407471.1 and 1 more transcripts); short protein forms Q102P, Q136P, Q161P, Q171P.
Identifiers: ClinVar variation 4532882 (VCV004532882.1).